The following is an entry in ClinVar:

ClinVar aggregate classification (germline): Pathogenic/Likely pathogenic. Review status: criteria provided, multiple submitters, no conflicts (2 of 4 stars). 2 submissions from 2 submitters: Pathogenic (1); Likely pathogenic (1). Last evaluated 2025-03-10.

Conditions:
Severe combined immunodeficiency due to DCLRE1C deficiency (RS-SCID). Also called: SCID, AUTOSOMAL RECESSIVE, T CELL-NEGATIVE, B CELL-NEGATIVE, NK CELL-POSITIVE, WITH SENSITIVITY TO IONIZING RADIATION. Identifiers: Orphanet 275, MedGen C1865371, MONDO:0011225, OMIM 602450.
Athabaskan severe combined immunodeficiency (SCIDA). Also called: Severe combined immunodeficiency, athabascan-type. Identifiers: MedGen C1865370.

Allele frequency attached by ClinVar (database versions not stated): gnomAD exomes below 0.00001; ExAC 0.00001.
gnomAD v4.1: 2 of 1,610,642 alleles (0.00012%); highest among the groups gnomAD compares: Non-Finnish European, 0.00017%; no homozygotes.

Submissions (2):

Natera, Inc.
Classification: Likely pathogenic for Athabascan severe combined immunodeficiency. Last evaluated: 2025-03-10. Review status: criteria provided, single submitter. Criteria: Natera Variant Classification Schema (03/2026). Collection method: clinical testing. Allele origin: germline.
Comment: The c.1156+2T>G variant in DCLRE1C is a canonical splice donor site variant predicted to affect pre-mRNA splicing, which may result in an abnormal transcript and altered protein product. This variant is expected to result in nonsense mediated decay, truncation, or a dysfunctional protein product. This variant is rare in the general population with a frequency below the threshold expected for the associated phenotype(s). Given the available evidence, this variant is classified as Likely Pathogenic.

Labcorp Genetics (formerly Invitae), Labcorp
Classification: Pathogenic for Athabaskan severe combined immunodeficiency. Last evaluated: 2023-02-09. Review status: criteria provided, single submitter. Criteria: Invitae Variant Classification Sherloc (09022015). Collection method: clinical testing. Allele origin: germline.
Comment: This variant has not been reported in the literature in individuals affected with DCLRE1C-related conditions. For these reasons, this variant has been classified as Pathogenic. This variant disrupts a region of the DCLRE1C protein in which other variant(s) (p.Thr557Asnfs*21) have been determined to be pathogenic (PMID: 26476407). This suggests that this is a clinically significant region of the protein, and that variants that disrupt it are likely to be disease-causing. Variants that disrupt the consensus splice site are a relatively common cause of aberrant splicing (PMID: 17576681, 9536098). Algorithms developed to predict the effect of sequence changes on RNA splicing suggest that this variant may disrupt the consensus splice site. This variant is present in population databases (rs765047440, gnomAD 0.0009%). This sequence change affects a donor splice site in intron 13 of the DCLRE1C gene. While this variant is not anticipated to result in nonsense mediated decay, it likely alters RNA splicing and results in a disrupted protein product.

Literature cited by the submitters: PubMed 26476407 (cited by Labcorp Genetics (formerly Invitae), Labcorp); PubMed 17576681 (cited by Labcorp Genetics (formerly Invitae), Labcorp); PubMed 9536098 (cited by Labcorp Genetics (formerly Invitae), Labcorp).

NM_001033855.3(DCLRE1C):c.1156+2T>G

Gene: DCLRE1C (DNA cross-link repair 1C; minus strand). Cytogenetic location: 10p13.
Variant type: single nucleotide variant.
Coding change: c.1156+2T>G on transcript NM_001033855.3 (MANE Select); the canonical splice donor site of the intron after coding-DNA position 1156, T replaced by G.
Molecular consequence: splice donor variant.
Genome position (GRCh38, 1-based): chr10:14,919,736, A>C on the plus strand (T>G on the coding strand, the complement: DCLRE1C is on the minus strand). VCF-style: chr10-14919736-A-C. GRCh37 (hg19) VCF-style: chr10-14961735-A-C.
Other names: c.811+2T>G (NM_001350966.2, NM_001289078.2, NM_001289076.2 and 1 more transcripts); c.1156+2T>G (NM_001350965.2, NM_001033855.2); c.796+2T>G (NM_001350967.2, NM_001289077.2, NM_001289079.2 and 2 more transcripts).
Identifiers: ClinVar variation 2833901 (VCV002833901.5), dbSNP rs765047440, ClinGen allele CA5416544.
Genomic context (GRCh38, chr10:14,919,736, plus strand): 5'-CTCCCTGGAAAGCAGTGTTTGCAGGGAGCCCACCCCTCTGAACCCAGGACCATTTTTCTT[A>C]CCTGAGTCTCGGTGAACTGTTCTAGCTCTCTTCAGTTTTCCCAGTGGTTTATACTTTGGC-3'